The following is an entry in ClinVar:

ClinVar aggregate classification (germline): Pathogenic (1 of 4 stars; one submission).

Submission:

GeneDx
Classification: Pathogenic. Last evaluated: 2018-01-12. Review status: criteria provided, single submitter. Criteria: GeneDx Variant Classification (06012015). Collection method: clinical testing. Allele origin: germline. Affected: yes.
Comment: The c.1487delC variant in the SON gene has not been reported previously as a pathogenic variant nor as a benign variant, to our knowledge. The c.1487delC variant causes a frameshift starting with codon Alanine 496, changes this amino acid to a Glycine residue, and creates a premature Stop codon at position 2 of the new reading frame, denoted p.Ala496GlyfsX2. This variant is predicted to cause loss of normal protein function either through protein truncation or nonsense-mediated mRNA decay. The c.1487delC variant is not observed in large population cohorts (Lek et al., 2016). We interpret c.1487delC as a pathogenic variant.

NM_138927.4(SON):c.1487del (p.Ala496fs)

Genes: MIR6501 (microRNA 6501; plus strand), SON (SON DNA and RNA binding protein; plus strand). Cytogenetic location: 21q22.11.
Variant type: Deletion.
Coding change: c.1487del on transcript NM_138927.4 (MANE Select); coding-DNA position 1487, one base deleted (C; older notation c.1487delC).
Protein change: p.Ala496fs; shifts the reading frame from alanine 496.
Molecular consequence: frameshift variant. On other transcripts: non-coding transcript variant (2), intron variant (1).
Genome position (GRCh38, 1-based): chr21:33,550,718, C deleted. VCF-style (leftmost placement, unchanged base first): chr21-33550717-GC-G. GRCh37 (hg19) VCF-style: chr21-34923023-GC-G.
Other names: c.1487del, p.Ala496fs (NM_001291411.2, NM_032195.3); c.244+4339del (NM_001291412.3); c.1487delC (NM_032195.2); short protein forms A496fs.
Identifiers: ClinVar variation 504062 (VCV000504062.2), dbSNP rs1555898280, ClinGen allele CA658799418.